The following is an entry in ClinVar:

NM_201599.3(ZMYM3):c.3856C>T (p.Arg1286Cys)

Gene: ZMYM3 (zinc finger MYM-type containing 3; minus strand). Cytogenetic location: Xq13.1.
Variant type: single nucleotide variant.
Coding change: c.3856C>T on transcript NM_201599.3 (MANE Select); coding-DNA position 3856, C replaced by T.
Protein change: p.Arg1286Cys; replaces arginine 1286 with cysteine.
Molecular consequence: missense variant.
Genome position (GRCh38, 1-based): chrX:71,241,291, G>A on the plus strand (C>T on the coding strand, the complement: ZMYM3 is on the minus strand). VCF-style: chrX-71241291-G-A. GRCh37 (hg19) VCF-style: chrX-70461141-G-A.
Other names: c.3856C>T (NM_201599.2); c.3820C>T, p.Arg1274Cys (NM_001171162.1); c.3856C>T, p.Arg1286Cys (NM_005096.3); short protein forms R1274C, R1286C.
Identifiers: ClinVar variation 4278576 (VCV004278576.2).

ClinVar aggregate classification (germline): Uncertain significance. Review status: criteria provided, multiple submitters, no conflicts (2 of 4 stars). 2 submissions from 2 submitters: Uncertain significance (2). Last evaluated 2025-08-18.

Conditions:
ZMYM3-related disorder. Also called: ZMYM3-related condition.

gnomAD v4.1: 2 of 1,205,909 alleles (0.00017%); highest among the groups gnomAD compares: South Asian, 0.0018%; no homozygotes.

Submissions (2):

PreventionGenetics, part of Exact Sciences
Classification: Uncertain significance for ZMYM3-related condition. Last evaluated: 2025-08-18. Review status: criteria provided, single submitter. Criteria: ACMG Guidelines, 2015. Collection method: clinical testing. Allele origin: germline.
Comment: The ZMYM3 c.3856C>T variant is predicted to result in the amino acid substitution p.Arg1286Cys. To our knowledge, this variant has not been reported in the literature. This variant is reported in 0.0013% of alleles in individuals of European (Non-Finnish) descent in gnomAD, but no hemizygous alleles are documented. Although we suspect that this variant may be pathogenic, at this time, the clinical significance of this variant is uncertain due to the absence of conclusive functional and genetic evidence.

GeneDx
Classification: Uncertain significance. Last evaluated: 2025-04-01. Review status: criteria provided, single submitter. Criteria: GeneDx Variant Classification Process June 2021. Collection method: clinical testing. Allele origin: germline. Affected: yes.
Comment: In silico analysis indicates that this missense variant does not alter protein structure/function; Has not been previously published as pathogenic or benign to our knowledge